The following is an entry in ClinVar:

ClinVar aggregate classification (germline): Uncertain significance (1 of 4 stars; one submission).

Conditions:
Long QT syndrome (LQTS). Identifiers: MedGen C0023976, MeSH D008133, MONDO:0002442. Disease mechanism: loss of function. Inheritance: Various modes of inheritance.

Submission:

Labcorp Genetics (formerly Invitae), Labcorp
Classification: Uncertain significance for Long QT syndrome. Last evaluated: 2024-06-18. Review status: criteria provided, single submitter. Criteria: Invitae Variant Classification Sherloc (09022015). Collection method: clinical testing. Allele origin: germline.
Comment: This sequence change replaces aspartic acid, which is acidic and polar, with glutamic acid, which is acidic and polar, at codon 609 of the KCNH2 protein (p.Asp609Glu). This variant is not present in population databases (gnomAD no frequency). This variant has not been reported in the literature in individuals affected with KCNH2-related conditions. An algorithm developed to predict the effect of missense changes on protein structure and function (PolyPhen-2) suggests that this variant is likely to be disruptive. This variant disrupts the p.Asp609 amino acid residue in KCNH2. Other variant(s) that disrupt this residue have been determined to be pathogenic (PMID: 10973849, 11222472, 11854117, 18808722, 26669661). This suggests that this residue is clinically significant, and that variants that disrupt this residue are likely to be disease-causing. In summary, the available evidence is currently insufficient to determine the role of this variant in disease. Therefore, it has been classified as a Variant of Uncertain Significance.

Literature cited by the submitters: PubMed 10973849; PubMed 11222472; PubMed 11854117; PubMed 18808722; PubMed 26669661.

NM_000238.4(KCNH2):c.1827C>A (p.Asp609Glu)

Gene: KCNH2 (potassium voltage-gated channel subfamily H member 2; minus strand). Cytogenetic location: 7q36.1.
Variant type: single nucleotide variant.
Coding change: c.1827C>A on transcript NM_000238.4 (MANE Select); coding-DNA position 1827, C replaced by A.
Protein change: p.Asp609Glu; replaces aspartic acid 609 with glutamic acid.
Molecular consequence: missense variant. On other transcripts: non-coding transcript variant (2).
Genome position (GRCh38, 1-based): chr7:150,951,566, G>T on the plus strand (C>A on the coding strand, the complement: KCNH2 is on the minus strand). VCF-style: chr7-150951566-G-T. GRCh37 (hg19) VCF-style: chr7-150648654-G-T.
Other names: c.807C>A, p.Asp269Glu (NM_001204798.2, NM_172057.3); c.1539C>A, p.Asp513Glu (NM_001406753.1, NM_001406756.1); c.1650C>A, p.Asp550Glu (NM_001406755.1); c.1527C>A, p.Asp509Glu (NM_001406757.1); c.1827C>A, p.Asp609Glu (NM_172056.3); short protein forms D269E, D509E, D513E, D609E, D550E.
Identifiers: ClinVar variation 3640614 (VCV003640614.2).